The following is an entry in ClinVar:

NM_000944.5(PPP3CA):c.860+3G>A

Gene: PPP3CA (protein phosphatase 3 catalytic subunit alpha; minus strand). Cytogenetic location: 4q24.
Variant type: single nucleotide variant.
Coding change: c.860+3G>A on transcript NM_000944.5 (MANE Select); 3 bases into the intron after coding-DNA position 860, G replaced by A.
Molecular consequence: intron variant.
Genome position (GRCh38, 1-based): chr4:101,083,183, C>T on the plus strand (G>A on the coding strand, the complement: PPP3CA is on the minus strand). VCF-style: chr4-101083183-C-T. GRCh37 (hg19) VCF-style: chr4-102004340-C-T.
Other names: c.860+3G>A (NM_001130692.2, NM_001130691.2).
Identifiers: ClinVar variation 1395848 (VCV001395848.7), dbSNP rs200227626, ClinGen allele CA3024400.
Genomic context (GRCh38, chr4:101,083,183, plus strand): 5'-AAAGTGAGGAAGTTCTGGAAAATGGACAATGCATGGTTTTTATAAATGCTCAAAACTGCT[C>T]ACCCTGCATCTTGGGCTTCGTGGGCTCGGAGTATAGATAACAAGTTATTGTGCTGTAAGA-3'

ClinVar aggregate classification (germline): Uncertain significance. Review status: criteria provided, multiple submitters, no conflicts (2 of 4 stars). 2 submissions from 2 submitters: Uncertain significance (2). Last evaluated 2026-01-30.

Conditions:
Developmental and epileptic encephalopathy 91. Also called: EPILEPTIC ENCEPHALOPATHY, INFANTILE OR EARLY CHILDHOOD, 1. Identifiers: MedGen C4540199, MONDO:0020630, OMIM 617711.
Arthrogryposis, cleft palate, craniosynostosis, and impaired intellectual development. Identifiers: Orphanet 565858, MedGen C4748872, MONDO:0032642, OMIM 618265.

Allele frequency attached by ClinVar (database versions not stated): gnomAD exomes 0.00001; ExAC 0.00002; TOPMed 0.00003; gnomAD 0.00004 and 0.00005; 1000 Genomes Project 0.00040; 1000 Genomes Project 30x 0.00047.
gnomAD v4.1: 16 of 1,485,124 alleles (0.0011%); highest among the groups gnomAD compares: African/African-American, 0.021%; no homozygotes.

Submissions (2):

Labcorp Genetics (formerly Invitae), Labcorp
Classification: Uncertain significance. Last evaluated: 2026-01-30. Review status: criteria provided, single submitter. Criteria: Invitae Variant Classification Sherloc (09022015). Collection method: clinical testing. Allele origin: germline.
Comment: This sequence change falls in intron 7 of the PPP3CA gene. It does not directly change the encoded amino acid sequence of the PPP3CA protein. It affects a nucleotide within the consensus splice site. This variant is present in population databases (rs200227626, gnomAD 0.02%). This variant has not been reported in the literature in individuals affected with PPP3CA-related conditions. ClinVar contains an entry for this variant (Variation ID: 1395848). Variants that disrupt the consensus splice site are a relatively common cause of aberrant splicing (PMID: 17576681, 9536098). Algorithms developed to predict the effect of sequence changes on RNA splicing suggest that this variant is not likely to affect RNA splicing. In summary, the available evidence is currently insufficient to determine the role of this variant in disease. Therefore, it has been classified as a Variant of Uncertain Significance.

Fulgent Genetics
Classification: Uncertain significance for Developmental and epileptic encephalopathy 91; Arthrogryposis, cleft palate, craniosynostosis, and impaired intellectual development. Last evaluated: 2024-03-20. Review status: criteria provided, single submitter. Criteria: ACMG Guidelines, 2015. Collection method: clinical testing. Allele origin: germline.

Literature cited by the submitters: PubMed 17576681 (cited by Labcorp Genetics (formerly Invitae), Labcorp); PubMed 9536098 (cited by Labcorp Genetics (formerly Invitae), Labcorp).